The following is an entry in ClinVar:

ClinVar aggregate classification (germline): Pathogenic (1 of 4 stars; one submission).

Conditions:
Cardiac anomalies - developmental delay - facial dysmorphism syndrome (MRFACD). Also called: MED13L Syndrome; Impaired intellectual development and distinctive facial features with or without cardiac defects. Identifiers: Orphanet 369891, MedGen C5192431, MONDO:0014773, OMIM 616789.

Submission:

Broad Center for Mendelian Genomics, Broad Institute of MIT and Harvard
Classification: Pathogenic for Cardiac anomalies - developmental delay - facial dysmorphism syndrome. Last evaluated: 2023-05-01. Review status: criteria provided, single submitter. Criteria: ACMG/ClinGen CNV Guidelines, 2019. Collection method: research. Allele origin: germline. Inheritance: Autosomal dominant inheritance. Affected: yes.
Comment: These breakpoints have been called by exome sequencing only and therefore may not reflect the true breakpoints. The patient phenotype is nonspecific, but is consistent with cases described in the literature and/or published databases with overlapping variants. This intragenic variant is predicted to cause a frameshift, which alters the protein’s amino acid sequence beginning at exon 3 and leads to a premature termination codon. This alteration is then predicted to lead to a truncated or absent protein. Loss of function of MED13L is an established disease mechanism in cardiac anomalies, developmental delay, and facial dysmorphism syndrome. Data from large population studies are insufficient to assess the frequency of this variant. In summary, this variant meets criteria to be classified as pathogenic for autosomal dominant impaired intellectual development and distinctive facial features with or without cardiac defects. The ACMG/ClinGen evidence codes and points used in this curation are as follows: 1: 0 points, 2: 0.90 points, 3: 0 points, 4-5: 0.1 points; Total: 1 points; Riggs 2020 (PMID: 31690835).

Single allele

Gene: MED13L (mediator complex subunit 13L; minus strand). Cytogenetic location: 12q24.21.
Variant type: Deletion.
Identifiers: ClinVar variation 4819219 (VCV004819219.1).